The following is an entry in ClinVar:

ClinVar aggregate classification (germline): Pathogenic (1 of 4 stars; one submission).

Conditions:
Familial cancer of breast. Also called: hereditary breast carcinoma; BREAST CANCER, FAMILIAL; Hereditary breast cancer. Identifiers: Orphanet 227535, MedGen C0346153, MONDO:0016419, OMIM 114480. Disease mechanism: loss of function.

Submission:

Labcorp Genetics (formerly Invitae), Labcorp
Classification: Pathogenic for Familial cancer of breast. Last evaluated: 2024-05-01. Review status: criteria provided, single submitter. Criteria: Invitae Variant Classification Sherloc (09022015). Collection method: clinical testing. Allele origin: germline.
Comment: This sequence change creates a premature translational stop signal (p.Arg686Lysfs*29) in the PALB2 gene. It is expected to result in an absent or disrupted protein product. Loss-of-function variants in PALB2 are known to be pathogenic (PMID: 17200668, 17200671, 17200672, 24136930, 25099575). This variant is not present in population databases (gnomAD no frequency). This variant has not been reported in the literature in individuals affected with PALB2-related conditions. For these reasons, this variant has been classified as Pathogenic.

Literature cited by the submitters: PubMed 17200668; PubMed 17200671; PubMed 17200672; PubMed 24136930; PubMed 25099575.

NM_024675.4(PALB2):c.2056dup (p.Arg686fs)

Gene: PALB2 (partner and localizer of BRCA2; minus strand). Cytogenetic location: 16p12.2.
Variant type: Duplication.
Coding change: c.2056dup on transcript NM_024675.4 (MANE Select); coding-DNA position 2056, one base duplicated (A; older notation c.2056dupA).
Protein change: p.Arg686fs; shifts the reading frame from arginine 686.
Molecular consequence: frameshift variant. On other transcripts: intron variant (1).
Genome position (GRCh38, 1-based): chr16:23,630,098, T duplicated on the plus strand (A on the coding strand, the reverse complement: PALB2 is on the minus strand); the first of 4 consecutive T bases (chr16:23,630,098-23,630,101); duplicating any one gives the same sequence. VCF-style (leftmost placement, unchanged base first): chr16-23630097-C-CT. GRCh37 (hg19) VCF-style: chr16-23641418-C-CT.
Other names: c.1996dup, p.Arg666fs (NM_001407296.1); c.2056dup, p.Arg686fs (NM_001407297.1, NM_001407298.1, NM_001407299.1 and 3 more transcripts); c.1171dup, p.Arg391fs (NM_001407304.1, NM_001407305.1, NM_001407306.1 and 5 more transcripts); c.268dup, p.Arg90fs (NM_001407312.1, NM_001407313.1); c.49-823dup (NM_001407314.1); short protein forms R686fs, R90fs, R666fs, R391fs.
Identifiers: ClinVar variation 3651770 (VCV003651770.2).